The following is an entry in ClinVar:

NM_052874.5(STX1B):c.184G>T (p.Ala62Ser)

Gene: STX1B (syntaxin 1B; minus strand). Cytogenetic location: 16p11.2.
Variant type: single nucleotide variant.
Coding change: c.184G>T on transcript NM_052874.5 (MANE Select); coding-DNA position 184, G replaced by T.
Protein change: p.Ala62Ser; replaces alanine 62 with serine.
Molecular consequence: missense variant.
Genome position (GRCh38, 1-based): chr16:31,001,115, C>A on the plus strand (G>T on the coding strand, the complement: STX1B is on the minus strand). VCF-style: chr16-31001115-C-A. GRCh37 (hg19) VCF-style: chr16-31012436-C-A.
Other names: short protein forms A62S.
Identifiers: ClinVar variation 2499213 (VCV002499213.3), dbSNP rs771304925, ClinGen allele CA8018463.

ClinVar aggregate classification (germline): Uncertain significance. Review status: criteria provided, multiple submitters, no conflicts (2 of 4 stars). 2 submissions from 2 submitters: Uncertain significance (2). Last evaluated 2024-11-16.

Conditions:
Generalized epilepsy with febrile seizures plus, type 9 (GEFSP9). Also called: GEFS+, TYPE 9. Identifiers: Orphanet 36387, MedGen C4015395, MONDO:0014517, OMIM 616172.

Allele frequency attached by ClinVar (database versions not stated): TOPMed below 0.00001; ExAC 0.00002.

Submissions (2):

Labcorp Genetics (formerly Invitae), Labcorp
Classification: Uncertain significance for Generalized epilepsy with febrile seizures plus, type 9. Last evaluated: 2024-11-16. Review status: criteria provided, single submitter. Criteria: Invitae Variant Classification Sherloc (09022015). Collection method: clinical testing. Allele origin: germline.
Comment: This sequence change replaces alanine, which is neutral and non-polar, with serine, which is neutral and polar, at codon 62 of the STX1B protein (p.Ala62Ser). This variant is present in population databases (rs771304925, gnomAD 0.002%). This variant has not been reported in the literature in individuals affected with STX1B-related conditions. ClinVar contains an entry for this variant (Variation ID: 2499213). Invitae Evidence Modeling of protein sequence and biophysical properties (such as structural, functional, and spatial information, amino acid conservation, physicochemical variation, residue mobility, and thermodynamic stability) indicates that this missense variant is not expected to disrupt STX1B protein function with a negative predictive value of 80%. In summary, the available evidence is currently insufficient to determine the role of this variant in disease. Therefore, it has been classified as a Variant of Uncertain Significance.

GeneDx
Classification: Uncertain significance. Last evaluated: 2022-10-14. Review status: criteria provided, single submitter. Criteria: GeneDx Variant Classification Process June 2021. Collection method: clinical testing. Allele origin: germline. Affected: yes.
Comment: Not observed at significant frequency in large population cohorts (gnomAD); In silico analysis supports that this missense variant does not alter protein structure/function; Has not been previously published as pathogenic or benign to our knowledge